The following is an entry in ClinVar:

ClinVar aggregate classification (germline): Pathogenic (1 of 4 stars; one submission).

Allele frequency attached by ClinVar (database versions not stated): gnomAD exomes below 0.00001 and 0.00003; TOPMed below 0.00001; gnomAD 0.00001.
gnomAD v4.1: 47 of 1,614,016 alleles (0.0029%); highest among the groups gnomAD compares: Non-Finnish European, 0.0039%; no homozygotes.

Submissions (2):

Labcorp Genetics (formerly Invitae), Labcorp
Classification: Pathogenic. Last evaluated: 2022-05-21. Review status: criteria provided, single submitter. Criteria: Invitae Variant Classification Sherloc (09022015). Collection method: clinical testing. Allele origin: germline.
Comment: For these reasons, this variant has been classified as Pathogenic. ClinVar contains an entry for this variant (Variation ID: 953206). This variant has not been reported in the literature in individuals affected with ARMC9-related conditions. This variant is present in population databases (no rsID available, gnomAD 0.0009%). This sequence change creates a premature translational stop signal (p.Gln389*) in the ARMC9 gene. It is expected to result in an absent or disrupted protein product. Loss-of-function variants in ARMC9 are known to be pathogenic (PMID: 28625504).

Dr. Peter K. Rogan Lab, Western University
No classification provided (evidence only). Condition: Malignant tumor of urinary bladder. Review status: no classification provided. Collection method: in vitro. Allele origin: not applicable. Functional consequence: retained intron. Not counted in ClinVar's aggregate classification.

Literature cited by the submitters: PubMed 28625504 (cited by Labcorp Genetics (formerly Invitae), Labcorp).

NM_001352754.2(ARMC9):c.1165C>T (p.Gln389Ter)

Gene: ARMC9 (armadillo repeat containing 9; plus strand). Cytogenetic location: 2q37.1.
Variant type: single nucleotide variant.
Coding change: c.1165C>T on transcript NM_001352754.2 (MANE Select); coding-DNA position 1165, C replaced by T.
Protein change: p.Gln389Ter; replaces glutamine 389 with a stop codon.
Molecular consequence: nonsense. On other transcripts: non-coding transcript variant (1).
Genome position (GRCh38, 1-based): chr2:231,271,027, C>T. VCF-style: chr2-231271027-C-T. GRCh37 (hg19) VCF-style: chr2-232135740-C-T.
Other names: c.1165C>T, p.Gln389Ter (NM_001271466.4, NM_001291656.2, NM_001352755.2 and 3 more transcripts); c.1066C>T, p.Gln356Ter (NM_001352757.2, NM_001352758.2); short protein forms Q389*, Q356*.
Identifiers: ClinVar variation 953206 (VCV000953206.8), dbSNP rs1189780573, ClinGen allele CA350953698.